The following is an entry in ClinVar:

NM_022454.4(SOX17):c.954GCACCA[7] (p.His325_His326insGlnHisGlnHisGlnHis)

Gene: SOX17 (SRY-box transcription factor 17; plus strand). Cytogenetic location: 8q11.23.
Variant type: Microsatellite.
Coding change: c.954GCACCA[7] on transcript NM_022454.4 (MANE Select); seven copies in a row of the 6-base unit GCACCA starting at c.954; the reference has four copies in a row; three copies, 18 bases duplicated.
Protein change: p.His325_His326insGlnHisGlnHisGlnHis.
Molecular consequence: inframe insertion.
Genome position (GRCh38, 1-based): chr8:54,459,710-54,459,727, GCACCAGCACCAGCACCA duplicated; duplicating any 18 consecutive bases within chr8:54,459,699-54,459,727 gives the same sequence; the position shown is the placement nearest the transcript's 3' end. VCF-style (leftmost placement, unchanged base first): chr8-54459698-A-ACACCAGCACCAGCACCAG. GRCh37 (hg19) VCF-style: chr8-55372258-A-ACACCAGCACCAGCACCAG.
Identifiers: ClinVar variation 2991557 (VCV002991557.3), dbSNP rs564144826, ClinGen allele CA1785063619.

ClinVar aggregate classification (germline): Uncertain significance (1 of 4 stars; one submission).

Submission:

Labcorp Genetics (formerly Invitae), Labcorp
Classification: Uncertain significance. Last evaluated: 2025-06-12. Review status: criteria provided, single submitter. Criteria: Invitae Variant Classification Sherloc (09022015). Collection method: clinical testing. Allele origin: germline.
Comment: This variant, c.960_977dup, results in the insertion of 6 amino acid(s) of the SOX17 protein (p.Gln320_His325dup), but otherwise preserves the integrity of the reading frame. This variant is not present in population databases (gnomAD no frequency). This variant has not been reported in the literature in individuals affected with SOX17-related conditions. In summary, the available evidence is currently insufficient to determine the role of this variant in disease. Therefore, it has been classified as a Variant of Uncertain Significance.